The following is an entry in ClinVar:

ClinVar aggregate classification (germline): Uncertain significance. Review status: criteria provided, multiple submitters, no conflicts (2 of 4 stars). 2 submissions from 2 submitters: Uncertain significance (2). Last evaluated 2026-07-07.

Conditions:
Hereditary diffuse gastric adenocarcinoma (HDGC). Also called: DIFFUSE GASTRIC AND LOBULAR BREAST CANCER SYNDROME. Identifiers: Orphanet 26106, MedGen C1708349, MONDO:0007648, OMIM 137215.
Hereditary cancer-predisposing syndrome. Also called: Hereditary Cancer Syndrome; Hereditary neoplastic syndrome; Neoplastic Syndromes, Hereditary; Tumor predisposition. Identifiers: Orphanet 140162, MedGen C0027672, MeSH D009386, MONDO:0015356.

gnomAD v4.1: 1 of 1,534,800 alleles (0.000065%); highest among the groups gnomAD compares: Non-Finnish European, 0.000087%; no homozygotes.

Submissions (2):

Ambry Genetics
Classification: Uncertain significance for Hereditary cancer-predisposing syndrome. Last evaluated: 2026-07-07. Review status: criteria provided, single submitter. Criteria: Ambry Variant Classification Scheme 2023. Collection method: clinical testing. Allele origin: germline.
Comment: The p.R6C variant (also known as c.16C>T), located in coding exon 1 of the CDH1 gene, results from a C to T substitution at nucleotide position 16. The arginine at codon 6 is replaced by cysteine, an amino acid with highly dissimilar properties. This amino acid position is conserved. In addition, this alteration is predicted to be tolerated by in silico analysis. Based on the available evidence, the clinical significance of this variant remains unclear.

Labcorp Genetics (formerly Invitae), Labcorp
Classification: Uncertain significance for Hereditary diffuse gastric adenocarcinoma. Last evaluated: 2025-06-25. Review status: criteria provided, single submitter. Criteria: Invitae Variant Classification Sherloc (09022015). Collection method: clinical testing. Allele origin: germline.
Comment: This sequence change replaces arginine, which is basic and polar, with cysteine, which is neutral and slightly polar, at codon 6 of the CDH1 protein (p.Arg6Cys). This variant is not present in population databases (gnomAD no frequency). This variant has not been reported in the literature in individuals affected with CDH1-related conditions. An algorithm developed to predict the effect of missense changes on protein structure and function outputs the following: PolyPhen-2: "Benign". The cysteine amino acid residue is found in multiple mammalian species, which suggests that this missense change does not adversely affect protein function. In summary, the available evidence is currently insufficient to determine the role of this variant in disease. Therefore, it has been classified as a Variant of Uncertain Significance.

NM_004360.5(CDH1):c.16C>T (p.Arg6Cys)

Gene: CDH1 (cadherin 1; plus strand). Cytogenetic location: 16q22.1.
Variant type: single nucleotide variant.
Coding change: c.16C>T on transcript NM_004360.5 (MANE Select); coding-DNA position 16, C replaced by T.
Protein change: p.Arg6Cys; replaces arginine 6 with cysteine.
Molecular consequence: missense variant. On other transcripts: 5 prime UTR variant (2).
Genome position (GRCh38, 1-based): chr16:68,737,431, C>T. VCF-style: chr16-68737431-C-T. GRCh37 (hg19) VCF-style: chr16-68771334-C-T.
Other names: c.16C>T, p.Arg6Cys (NM_001317184.2); c.-1600C>T (NM_001317185.2); c.-1804C>T (NM_001317186.2); short protein forms R6C.
Identifiers: ClinVar variation 4703657 (VCV004703657.2).
Genomic context (GRCh38, chr16:68,737,431, plus strand): 5'-CGACCGCACCCGGCGCCTGCCCTCGCTCGGCGTCCCCGGCCAGCCATGGGCCCTTGGAGC[C>T]GCAGCCTCTCGGCGCTGCTGCTGCTGCTGCAGGTACCCCGGATCCCCTGACTTGCGAGGG-3'
Protein context (NP_004351.1, residues 1-16): MGPWS[Arg6Cys]SLSALLLLLQ